The following is an entry in ClinVar:

ClinVar aggregate classification (germline): Uncertain significance (1 of 4 stars; one submission).

Allele frequency attached by ClinVar (database versions not stated): TOPMed below 0.00001; gnomAD 0.00001.
gnomAD v4.1: 1 of 1,613,156 alleles (0.000062%); highest among the groups gnomAD compares: Non-Finnish European, 0.000085%; no homozygotes.

Submission:

Labcorp Genetics (formerly Invitae), Labcorp
Classification: Uncertain significance. Last evaluated: 2022-11-17. Review status: criteria provided, single submitter. Criteria: Invitae Variant Classification Sherloc (09022015). Collection method: clinical testing. Allele origin: germline.
Comment: In summary, the available evidence is currently insufficient to determine the role of this variant in disease. Therefore, it has been classified as a Variant of Uncertain Significance. Advanced modeling of protein sequence and biophysical properties (such as structural, functional, and spatial information, amino acid conservation, physicochemical variation, residue mobility, and thermodynamic stability) performed at Invitae indicates that this missense variant is expected to disrupt CACNA1D protein function. This variant has not been reported in the literature in individuals affected with CACNA1D-related conditions. This variant is not present in population databases (gnomAD no frequency). This sequence change replaces asparagine, which is neutral and polar, with threonine, which is neutral and polar, at codon 1408 of the CACNA1D protein (p.Asn1408Thr).

NM_001128840.3(CACNA1D):c.4163A>C (p.Asn1388Thr)

Gene: CACNA1D (calcium voltage-gated channel subunit alpha1 D; plus strand). Cytogenetic location: 3p21.1.
Variant type: single nucleotide variant.
Coding change: c.4163A>C on transcript NM_001128840.3 (MANE Select); coding-DNA position 4163, A replaced by C.
Protein change: p.Asn1388Thr; replaces asparagine 1388 with threonine.
Molecular consequence: missense variant.
Genome position (GRCh38, 1-based): chr3:53,774,639, A>C. VCF-style: chr3-53774639-A-C. GRCh37 (hg19) VCF-style: chr3-53808666-A-C.
Other names: c.4223A>C, p.Asn1408Thr (NM_000720.4); c.4118A>C, p.Asn1373Thr (NM_001128839.3); short protein forms N1388T, N1408T, N1373T.
Identifiers: ClinVar variation 2814822 (VCV002814822.3), dbSNP rs2095386611, ClinGen allele CA353241290.